The following is an entry in ClinVar:

NM_005428.4(VAV1):c.2200G>A (p.Ala734Thr)

Gene: VAV1 (vav guanine nucleotide exchange factor 1; plus strand). Cytogenetic location: 19p13.3.
Variant type: single nucleotide variant.
Coding change: c.2200G>A on transcript NM_005428.4 (MANE Select); coding-DNA position 2200, G replaced by A.
Protein change: p.Ala734Thr; replaces alanine 734 with threonine.
Molecular consequence: missense variant.
Genome position (GRCh38, 1-based): chr19:6,850,740, G>A. VCF-style: chr19-6850740-G-A. GRCh37 (hg19) VCF-style: chr19-6850751-G-A.
Other names: c.2134G>A, p.Ala712Thr (NM_001258206.2); c.2104G>A, p.Ala702Thr (NM_001258207.2); c.2200G>A (NM_005428.2); short protein forms A712T, A702T, A734T.
Identifiers: ClinVar variation 1401967 (VCV001401967.9), dbSNP rs376389573, ClinGen allele CA304825523.

ClinVar aggregate classification (germline): Uncertain significance. Review status: criteria provided, multiple submitters, no conflicts (2 of 4 stars). 2 submissions from 2 submitters: Uncertain significance (2). Last evaluated 2024-12-28.

Allele frequency attached by ClinVar (database versions not stated): gnomAD 0.00001; gnomAD exomes 0.00001; ESP Exome Variant Server 0.00008.
gnomAD v4.1: 8 of 1,613,840 alleles (0.0005%); highest among the groups gnomAD compares: Admixed American, 0.0017%; no homozygotes.

Submissions (2):

Ambry Genetics
Classification: Uncertain significance. Last evaluated: 2024-12-28. Review status: criteria provided, single submitter. Criteria: Ambry Variant Classification Scheme 2023. Collection method: clinical testing. Allele origin: germline.

Labcorp Genetics (formerly Invitae), Labcorp
Classification: Uncertain significance. Last evaluated: 2022-02-10. Review status: criteria provided, single submitter. Criteria: Invitae Variant Classification Sherloc (09022015). Collection method: clinical testing. Allele origin: germline.
Comment: In summary, the available evidence is currently insufficient to determine the role of this variant in disease. Therefore, it has been classified as a Variant of Uncertain Significance. Algorithms developed to predict the effect of missense changes on protein structure and function are either unavailable or do not agree on the potential impact of this missense change (SIFT: "Tolerated"; PolyPhen-2: "Probably Damaging"; Align-GVGD: "Class C0"). This variant has not been reported in the literature in individuals affected with VAV1-related conditions. This variant is present in population databases (rs376389573, gnomAD 0.002%). This sequence change replaces alanine, which is neutral and non-polar, with threonine, which is neutral and polar, at codon 734 of the VAV1 protein (p.Ala734Thr).